The following is an entry in ClinVar:

ClinVar aggregate classification (germline): Benign/Likely benign. Review status: criteria provided, single submitter (1 of 4 stars). 2 submissions from 1 submitter: Benign (1); Likely benign (1). Last evaluated 2018-01-13.

Conditions:
Cone-rod dystrophy 16 (CORD16). Identifiers: MedGen C3281045, MONDO:0013786, OMIM 614500.
Retinitis pigmentosa (RP). Identifiers: Orphanet 791, MedGen C0035334, MeSH D012174, MONDO:0019200, OMIM 268000. Inheritance: Autosomal dominant, autosomal recessive and X linked inheritance.

Allele frequency attached by ClinVar (database versions not stated): gnomAD 0.01156 and 0.01246; 1000 Genomes Project 0.01278; TOPMed 0.01294; 1000 Genomes Project 30x 0.01390.

Submissions (2):

Illumina Laboratory Services, Illumina
Classification: Likely benign for Retinitis pigmentosa. Last evaluated: 2018-01-13. Review status: criteria provided, single submitter. Criteria: ICSL Variant Classification Criteria 13 December 2019. Collection method: clinical testing. Allele origin: germline.
Comment: This variant was observed in the ICSL laboratory as part of a predisposition screen in an ostensibly healthy population. It had not been previously curated by ICSL or reported in the Human Gene Mutation Database (HGMD: prior to June 1st, 2018), and was therefore a candidate for classification through an automated scoring system. Utilizing variant allele frequency, disease prevalence and penetrance estimates, and inheritance mode, an automated score was calculated to assess if this variant is too frequent to cause the disease. Based on the score and internal cut-off values, a variant classified as likely benign is not then subjected to further curation. The score for this variant resulted in a classification of likely benign for this disease.

Illumina Laboratory Services, Illumina
Classification: Benign for Cone-rod dystrophy 16. Last evaluated: 2018-01-13. Review status: criteria provided, single submitter. Criteria: ICSL Variant Classification Criteria 13 December 2019. Collection method: clinical testing. Allele origin: germline.
Comment: This variant was observed in the ICSL laboratory as part of a predisposition screen in an ostensibly healthy population. It had not been previously curated by ICSL or reported in the Human Gene Mutation Database (HGMD: prior to June 1st, 2018), and was therefore a candidate for classification through an automated scoring system. Utilizing variant allele frequency, disease prevalence and penetrance estimates, and inheritance mode, an automated score was calculated to assess if this variant is too frequent to cause the disease. Based on the score and internal cut-off values, a variant classified as benign is not then subjected to further curation. The score for this variant resulted in a classification of benign for this disease.

NM_177965.4(CFAP418):c.*644C>G

Gene: CFAP418 (cilia and flagella associated protein 418; minus strand). Cytogenetic location: 8q22.1.
Variant type: single nucleotide variant.
Coding change: c.*644C>G on transcript NM_177965.4 (MANE Select); 644 bases downstream of the stop codon, C replaced by G.
Molecular consequence: 3 prime UTR variant.
Genome position (GRCh38, 1-based): chr8:95,246,973, G>C on the plus strand (C>G on the coding strand, the complement: CFAP418 is on the minus strand). VCF-style: chr8-95246973-G-C. GRCh37 (hg19) VCF-style: chr8-96259201-G-C.
Other names: c.*644C>G (NM_001363260.1).
Identifiers: ClinVar variation 915152 (VCV000915152.4), dbSNP rs77165822, ClinGen allele CA182088038.